The following is an entry in ClinVar:

NM_001273.5(CHD4):c.417G>T (p.Glu139Asp)

Gene: CHD4 (chromodomain helicase DNA binding protein 4; minus strand). Cytogenetic location: 12p13.31.
Variant type: single nucleotide variant.
Coding change: c.417G>T on transcript NM_001273.5 (MANE Select); coding-DNA position 417, G replaced by T.
Protein change: p.Glu139Asp; replaces glutamic acid 139 with aspartic acid.
Molecular consequence: missense variant.
Genome position (GRCh38, 1-based): chr12:6,601,981, C>A on the plus strand (G>T on the coding strand, the complement: CHD4 is on the minus strand). VCF-style: chr12-6601981-C-A. GRCh37 (hg19) VCF-style: chr12-6711147-C-A.
Other names: c.396G>T, p.Glu132Asp (NM_001297553.2); c.417G>T, p.Glu139Asp (NM_001363606.2); short protein forms E132D, E139D.
Identifiers: ClinVar variation 1209824 (VCV001209824.14), dbSNP rs1639122, ClinGen allele CA6412525.
Genomic context (GRCh38, chr12:6,601,981, plus strand): 5'-AGTTTAACAGTACAAAGAAGAGGATGGAGGTCCAGGCACCTTTGAATCATCATCATCATC[C>A]TCCTCCTCCTCCTCCTCCTTCCGCTTGGATTTGCTCTTCTTCTCTTTCTTAGGTCCAAGC-3'
Protein context (NP_001264.2, residues 129-149): KSKRKEEEEE[Glu139Asp]DDDDDSKEPK

ClinVar aggregate classification (germline): Benign. Review status: criteria provided, multiple submitters, no conflicts (2 of 4 stars). 5 submissions from 5 submitters: Benign (4). 1 of the submissions does not count toward it. Last evaluated 2026-02-04.

Conditions:
Sifrim-Hitz-Weiss syndrome (SIHIWES). Also called: SIFRIM-HITZ-WEISS MULTIPLE CONGENITAL ANOMALIES-MENTAL RETARDATION SYNDROME; CHD4 Neurodevelopmental Disorder. Identifiers: Orphanet 653712, MedGen C4310688, MONDO:0014946, OMIM 617159.
Thalidomide response. Identifiers: MedGen CN297989.

Allele frequency attached by ClinVar (database versions not stated): gnomAD exomes 0.39857 and 0.42081; gnomAD 0.54444; ESP Exome Variant Server 0.54874; 1000 Genomes Project 0.55312; 1000 Genomes Project 30x 0.55918.
gnomAD v4.1: 671,193 of 1,554,978 alleles (43%); highest among the groups gnomAD compares: African/African-American, 81%; 133,688 homozygotes.

Submissions (5):

Labcorp Genetics (formerly Invitae), Labcorp
Classification: Benign. Last evaluated: 2026-02-04. Review status: criteria provided, single submitter. Criteria: Invitae Variant Classification Sherloc (09022015). Collection method: clinical testing. Allele origin: germline.

Blueprint Genetics
Classification: Benign. Last evaluated: 2024-11-27. Review status: criteria provided, single submitter. Criteria: ACMG Guidelines, 2015. Collection method: clinical testing. Allele origin: germline.

Genome-Nilou Lab
Classification: Benign for Sifrim-Hitz-Weiss syndrome. Last evaluated: 2021-07-22. Review status: criteria provided, single submitter. Criteria: ACMG Guidelines, 2015. Collection method: clinical testing. Allele origin: germline. Affected: no.

Breakthrough Genomics
Classification: Benign. Review status: criteria provided, single submitter. Criteria: ACMG Guidelines, 2015. Collection method: not provided. Allele origin: germline. Inheritance: Autosomal dominant inheritance. Affected: yes.

Rare Diseases Genetics and Genomics, Islamia College Peshawar
Classification: drug response for Thalidomide response. Review status: no assertion criteria provided. Collection method: research. Allele origin: germline. Affected: yes. Not counted in ClinVar's aggregate classification.
Comment: this variant was associated with excellent response to thalidomide (achieving transfusion independence)